The following is an entry in ClinVar:

NM_000088.4(COL1A1):c.4014del (p.Glu1337_Tyr1338insTer)

Gene: COL1A1 (collagen type I alpha 1 chain; minus strand). Cytogenetic location: 17q21.33.
Variant type: Deletion.
Coding change: c.4014del on transcript NM_000088.4 (MANE Select); coding-DNA position 4014, one base deleted (T; older notation c.4014delT).
Protein change: p.Glu1337_Tyr1338insTer.
Molecular consequence: nonsense.
Genome position (GRCh38, 1-based): chr17:50,186,012, A deleted on the plus strand (T on the coding strand, the reverse complement: COL1A1 is on the minus strand). VCF-style (leftmost placement, unchanged base first): chr17-50186011-CA-C. GRCh37 (hg19) VCF-style: chr17-48263372-CA-C.
Identifiers: ClinVar variation 953125 (VCV000953125.8), dbSNP rs1906488067, ClinGen allele CA1139665684.

ClinVar aggregate classification (germline): Pathogenic (1 of 4 stars; one submission).

Conditions:
Osteogenesis imperfecta type I (OI1). Also called: OI, TYPE I; OSTEOGENESIS IMPERFECTA TARDA; OSTEOGENESIS IMPERFECTA WITH BLUE SCLERAE; Osteogenesis imperfecta type 1; Lobstein disease; Classic Non-deforming Osteogenesis Imperfecta with Blue Sclerae. Identifiers: Orphanet 216796, Orphanet 666, MedGen C0023931, MONDO:0008146, OMIM 166200. Disease mechanism: loss of function.

Submission:

Labcorp Genetics (formerly Invitae), Labcorp
Classification: Pathogenic for Osteogenesis imperfecta type I. Last evaluated: 2019-08-22. Review status: criteria provided, single submitter. Criteria: Invitae Variant Classification Sherloc (09022015). Collection method: clinical testing. Allele origin: germline.
Comment: Loss-of-function variants in COL1A1 are known to be pathogenic (PMID: 7942841, 9295084, 9443882). For these reasons, this variant has been classified as Pathogenic. This variant has not been reported in the literature in individuals with COL1A1-related conditions. This variant is not present in population databases (ExAC no frequency). This sequence change creates a premature translational stop signal (p.Tyr1338*) in the COL1A1 gene. It is expected to result in an absent or disrupted protein product.

Literature cited by the submitters: PubMed 7942841; PubMed 9295084; PubMed 9443882.